The following is an entry in ClinVar:

NM_031844.3(HNRNPU):c.944G>C (p.Ser315Thr)

Gene: HNRNPU (heterogeneous nuclear ribonucleoprotein U; minus strand). Cytogenetic location: 1q44.
Variant type: single nucleotide variant.
Coding change: c.944G>C on transcript NM_031844.3 (MANE Select); coding-DNA position 944, G replaced by C.
Protein change: p.Ser315Thr; replaces serine 315 with threonine.
Molecular consequence: missense variant.
Genome position (GRCh38, 1-based): chr1:244,860,408, C>G on the plus strand (G>C on the coding strand, the complement: HNRNPU is on the minus strand). VCF-style: chr1-244860408-C-G. GRCh37 (hg19) VCF-style: chr1-245023710-C-G.
Other names: c.887G>C, p.Ser296Thr (NM_004501.3); short protein forms S296T, S315T.
Identifiers: ClinVar variation 2841294 (VCV002841294.3), dbSNP rs1680795813, ClinGen allele CA345494171.

ClinVar aggregate classification (germline): Uncertain significance (1 of 4 stars; one submission).

Conditions:
Developmental and epileptic encephalopathy, 54. Also called: Epileptic encephalopathy, early infantile, 54; HNRNPU-Related Neurodevelopmental Disorder. Identifiers: MedGen C4479319, MONDO:0033363, OMIM 617391.

Allele frequency attached by ClinVar (database versions not stated): TOPMed below 0.00001.

Submission:

Labcorp Genetics (formerly Invitae), Labcorp
Classification: Uncertain significance for Developmental and epileptic encephalopathy, 54. Last evaluated: 2023-07-20. Review status: criteria provided, single submitter. Criteria: Invitae Variant Classification Sherloc (09022015). Collection method: clinical testing. Allele origin: germline.
Comment: In summary, the available evidence is currently insufficient to determine the role of this variant in disease. Therefore, it has been classified as a Variant of Uncertain Significance. Advanced modeling of protein sequence and biophysical properties (such as structural, functional, and spatial information, amino acid conservation, physicochemical variation, residue mobility, and thermodynamic stability) performed at Invitae indicates that this missense variant is not expected to disrupt HNRNPU protein function. This variant has not been reported in the literature in individuals affected with HNRNPU-related conditions. This variant is not present in population databases (gnomAD no frequency). This sequence change replaces serine, which is neutral and polar, with threonine, which is neutral and polar, at codon 315 of the HNRNPU protein (p.Ser315Thr).